The following is an entry in ClinVar:

ClinVar aggregate classification (germline): Likely benign (1 of 4 stars; one submission).

Allele frequency attached by ClinVar (database versions not stated): TOPMed below 0.00001; ExAC 0.00001; gnomAD 0.00001.
gnomAD v4.1: 9 of 1,608,620 alleles (0.00056%); highest among the groups gnomAD compares: South Asian, 0.0022%; no homozygotes.

Submission:

CeGaT Center for Human Genetics Tuebingen
Classification: Likely benign. Last evaluated: 2024-05-01. Review status: criteria provided, single submitter. Criteria: CeGaT Center For Human Genetics Tuebingen Variant Classification Criteria Version 2. Collection method: clinical testing. Allele origin: germline. Affected: yes. Observed: 1 variant allele.
Comment: FN1: BP4, BP7

NM_212482.4(FN1):c.5967C>T (p.Asp1989=)

Genes: FN1 (fibronectin 1; minus strand), LOC126806496 (CDK7 strongly-dependent group 2 enhancer GRCh37_chr2:216240057-216241256; plus strand). Cytogenetic location: 2q35.
Variant type: single nucleotide variant.
Coding change: c.5967C>T on transcript NM_212482.4 (MANE Select); coding-DNA position 5967, C replaced by T.
Protein change: p.Asp1989=; no amino-acid change (aspartic acid 1989 retained).
Molecular consequence: synonymous variant.
Genome position (GRCh38, 1-based): chr2:215,375,639, G>A on the plus strand (C>T on the coding strand, the complement: FN1 is on the minus strand). VCF-style: chr2-215375639-G-A. GRCh37 (hg19) VCF-style: chr2-216240362-G-A.
Other names: c.5967C>T, p.Asp1989= (NM_001306129.2); c.5697C>T, p.Asp1899= (NM_001306130.2, NM_001365517.2, NM_001365519.2 and 2 more transcripts); c.5424C>T, p.Asp1808= (NM_001306131.2, NM_001306132.2, NM_001365523.2 and 2 more transcripts); c.5694C>T, p.Asp1898= (NM_001365518.2, NM_001365520.2, NM_001365524.2 and 2 more transcripts).
Identifiers: ClinVar variation 3239610 (VCV003239610.19), dbSNP rs749513832.